The following is an entry in ClinVar:

NM_005902.4(SMAD3):c.516C>T (p.Pro172=)

Gene: SMAD3 (SMAD family member 3; plus strand). Cytogenetic location: 15q22.33.
Variant type: single nucleotide variant.
Coding change: c.516C>T on transcript NM_005902.4 (MANE Select); coding-DNA position 516, C replaced by T.
Protein change: p.Pro172=; no amino-acid change (proline 172 retained).
Molecular consequence: synonymous variant.
Genome position (GRCh38, 1-based): chr15:67,165,368, C>T. VCF-style: chr15-67165368-C-T. GRCh37 (hg19) VCF-style: chr15-67457706-C-T.
Other names: c.201C>T, p.Pro67= (NM_001145102.2); c.384C>T, p.Pro128= (NM_001145103.2).
Identifiers: ClinVar variation 922198 (VCV000922198.12), dbSNP rs776144459, ClinGen allele CA062314.

ClinVar aggregate classification (germline): Likely benign. Review status: criteria provided, multiple submitters, no conflicts (2 of 4 stars). 4 submissions from 4 submitters: Likely benign (4). Last evaluated 2026-03-29.

Conditions:
Aneurysm-osteoarthritis syndrome. Also called: SMAD3-Related Loeys-Dietz Syndrome; Loeys-Dietz syndrome, type 1C; ANEURYSMS-OSTEOARTHRITIS SYNDROME; LOEYS-DIETZ SYNDROME WITH OSTEOARTHRITIS. Identifiers: Orphanet 284984, MedGen C3151087, MONDO:0013426, OMIM 613795.
Familial thoracic aortic aneurysm and aortic dissection (TAAD). Also called: Thoracic aortic aneurysms and dissections. Identifiers: Orphanet 91387, MedGen C4707243, MONDO:0019625.

Allele frequency attached by ClinVar (database versions not stated): gnomAD exomes below 0.00001; ExAC 0.00001.
gnomAD v4.1: 3 of 1,614,208 alleles (0.00019%); highest among the groups gnomAD compares: Non-Finnish European, 0.00025%; no homozygotes.

Submissions (4):

Ambry Genetics
Classification: Likely benign for Familial thoracic aortic aneurysm and aortic dissection. Last evaluated: 2026-03-29. Review status: criteria provided, single submitter. Criteria: Ambry Variant Classification Scheme 2023. Collection method: clinical testing. Allele origin: germline.

All of Us Research Program, National Institutes of Health
Classification: Likely benign for Aneurysm-osteoarthritis syndrome. Last evaluated: 2024-05-09. Review status: criteria provided, single submitter. Criteria: ACMG Guidelines, 2015. Collection method: clinical testing. Allele origin: germline. Inheritance: Autosomal dominant inheritance. Observed: 1 variant allele, 1 heterozygote.
Comment: This study involves interpretation of variants in research participants for the purpose of population health screening. Participant phenotype was not available at the time of variant classification. Additional details can be found in publication PMID: 35346344, PMCID: PMC8962531

Labcorp Genetics (formerly Invitae), Labcorp
Classification: Likely benign for Familial thoracic aortic aneurysm and aortic dissection. Last evaluated: 2020-06-04. Review status: criteria provided, single submitter. Criteria: Invitae Variant Classification Sherloc (09022015). Collection method: clinical testing. Allele origin: germline.

Color Diagnostics, LLC DBA Color Health
Classification: Likely benign for Familial thoracic aortic aneurysm and aortic dissection. Last evaluated: 2019-01-06. Review status: criteria provided, single submitter. Criteria: ACMG Guidelines, 2015. Collection method: clinical testing. Allele origin: germline.